The following is an entry in ClinVar:

NM_000551.4(VHL):c.548C>T (p.Ser183Leu)

Genes: VHL (von Hippel-Lindau tumor suppressor; plus strand), LOC107303340 (3p25 von Hippel-Lindau tumor suppressor, E3 ubiquitin protein ligase Alu-mediated recombination region; plus strand). Cytogenetic location: 3p25.3.
Variant type: single nucleotide variant.
Coding change: c.548C>T on transcript NM_000551.4 (MANE Select); coding-DNA position 548, C replaced by T.
Protein change: p.Ser183Leu; replaces serine 183 with leucine.
Molecular consequence: missense variant. On other transcripts: 3 prime UTR variant (1).
Genome position (GRCh38, 1-based): chr3:10,149,871, C>T. VCF-style: chr3-10149871-C-T. GRCh37 (hg19) VCF-style: chr3-10191555-C-T.
Other names: c.*102C>T (NM_001354723.2); c.425C>T, p.Ser142Leu (NM_198156.3); short protein forms S183L, S142L.
Identifiers: ClinVar variation 411985 (VCV000411985.41), dbSNP rs5030823, ClinGen allele CA041537.

ClinVar aggregate classification (germline): Conflicting classifications of pathogenicity. Review status: criteria provided, conflicting classifications (1 of 4 stars). 9 submissions from 9 submitters: Likely pathogenic (1); Uncertain significance (7). 1 of the submissions does not count toward it. Last evaluated 2025-08-20.

Conditions:
Von Hippel-Lindau syndrome (VHLS). Also called: von Hippel–Lindau syndrome; VHL syndrome; Von Hippel-Lindau. Identifiers: Orphanet 892, MedGen C0019562, MONDO:0008667, OMIM 193300. Disease mechanism: loss of function.
Chuvash polycythemia. Also called: POLYCYTHEMIA, VHL-DEPENDENT. Identifiers: Orphanet 238557, MedGen C1837915, MONDO:0009892, OMIM 263400.
Hereditary cancer-predisposing syndrome. Also called: Tumor predisposition; Hereditary neoplastic syndrome; Hereditary Cancer Syndrome; Neoplastic Syndromes, Hereditary. Identifiers: Orphanet 140162, MedGen C0027672, MeSH D009386, MONDO:0015356.
Nonpapillary renal cell carcinoma. Identifiers: Orphanet 422526, MedGen CN074294, MONDO:0007763, OMIM 144700.
Pheochromocytoma. Also called: MAX-Related Hereditary Paraganglioma-Pheochromocytoma Syndrome. Identifiers: Orphanet 29072, MedGen C0031511, MONDO:0008233, OMIM 171300, HP:0002666.

Allele frequency attached by ClinVar (database versions not stated): gnomAD exomes below 0.00001 and 0.00001; TOPMed below 0.00001; ExAC 0.00001; gnomAD 0.00001.
gnomAD v4.1: 14 of 1,614,030 alleles (0.00087%); highest among the groups gnomAD compares: Admixed American, 0.005%; no homozygotes.

Submissions (9):

Ambry Genetics
Classification: Uncertain significance for Hereditary cancer-predisposing syndrome. Last evaluated: 2025-08-20. Review status: criteria provided, single submitter. Criteria: Ambry Variant Classification Scheme 2023. Collection method: clinical testing. Allele origin: germline.
Comment: The p.S183L variant (also known as c.548C>T), located in coding exon 3 of the VHL gene, results from a C to T substitution at nucleotide position 548. The serine at codon 183 is replaced by leucine, an amino acid with dissimilar properties. This variant was also detected in 1/370 Japanese pheochromocytoma/paraganglioma (PPGL) patients and classified as a variant of uncertain significance by the authors (Yonamine M et al. Cancers (Basel), 2021 Aug;13). This amino acid position is highly conserved in available vertebrate species. In addition, this alteration is predicted to be deleterious by in silico analysis. Based on the available evidence, the clinical significance of this variant remains unclear.

Labcorp Genetics (formerly Invitae), Labcorp
Classification: Uncertain significance for Von Hippel-Lindau syndrome; Chuvash polycythemia. Last evaluated: 2025-07-31. Review status: criteria provided, single submitter. Criteria: Invitae Variant Classification Sherloc (09022015). Collection method: clinical testing. Allele origin: germline.
Comment: This sequence change replaces serine, which is neutral and polar, with leucine, which is neutral and non-polar, at codon 183 of the VHL protein (p.Ser183Leu). This variant is present in population databases (rs5030823, gnomAD 0.0009%). This missense change has been observed in individual(s) with erythrocytosis, pulmonary arterial hypertension (PAH) and/or paraganglioma (PMID: 21454469, 24466223). ClinVar contains an entry for this variant (Variation ID: 411985). Invitae Evidence Modeling of protein sequence and biophysical properties (such as structural, functional, and spatial information, amino acid conservation, physicochemical variation, residue mobility, and thermodynamic stability) indicates that this missense variant is expected to disrupt VHL protein function with a positive predictive value of 95%. Experimental studies have shown that this missense change affects VHL function (PMID: 21454469, 30338240). This variant disrupts the p. Ser183 amino acid residue in VHL. Other variant(s) that disrupt this residue have been observed in individuals with VHL-related conditions (PMID: 24466223; internal data), which suggests that this may be a clinically significant amino acid residue. In summary, the available evidence is currently insufficient to determine the role of this variant in disease. Therefore, it has been classified as a Variant of Uncertain Significance.

GeneDx
Classification: Uncertain significance. Last evaluated: 2025-04-25. Review status: criteria provided, single submitter. Criteria: GeneDx Variant Classification Process June 2021. Collection method: clinical testing. Allele origin: germline.
Comment: Not observed at significant frequency in large population cohorts (gnomAD); In silico analysis supports that this missense variant has a deleterious effect on protein structure/function; This variant is associated with the following publications: (PMID: 11921283, 21454469, 24115288, 24466223, 24729484, 23407287, 35734542, 30338240, 34439168)

CeGaT Center for Human Genetics Tuebingen
Classification: Uncertain significance. Last evaluated: 2024-07-01. Review status: criteria provided, single submitter. Criteria: CeGaT Center For Human Genetics Tuebingen Variant Classification Criteria Version 2. Collection method: clinical testing. Allele origin: germline. Affected: yes. Observed: 1 variant allele.
Comment: VHL: PM1, PM2:Supporting, PS3:Supporting

Fulgent Genetics
Classification: Likely pathogenic for Nonpapillary renal cell carcinoma; Pheochromocytoma; Von Hippel-Lindau syndrome; Chuvash polycythemia. Last evaluated: 2024-05-25. Review status: criteria provided, single submitter. Criteria: ACMG Guidelines, 2015. Collection method: clinical testing. Allele origin: germline.

All of Us Research Program, National Institutes of Health
Classification: Uncertain significance for Von Hippel-Lindau syndrome. Last evaluated: 2024-05-10. Review status: criteria provided, single submitter. Criteria: ACMG Guidelines, 2015. Collection method: clinical testing. Allele origin: germline. Inheritance: Autosomal dominant inheritance. Observed: 7 variant alleles, 7 heterozygotes.
Comment: This missense variant replaces serine with leucine at codon 183 of the VHL protein. Computational prediction is inconclusive regarding the impact of this variant on protein structure and function (internally defined REVEL score threshold 0.5 < inconclusive < 0.7, PMID: 27666373). A functional study has reported that this variant protein decreases stability compared to WT and may be partially active (PMID: 21454469). This variant has not been reported in individuals affected with VHL-related disorders in the literature. This variant has been identified in 1/251414 chromosomes in the general population by the Genome Aggregation Database (gnomAD). The available evidence is insufficient to determine the role of this variant in disease conclusively. Therefore, this variant is classified as a Variant of Uncertain Significance.

This study involves interpretation of variants in research participants for the purpose of population health screening. Participant phenotype was not available at the time of variant classification. Additional details can be found in publication PMID: 35346344, PMCID: PMC8962531

Baylor Genetics
Classification: Uncertain significance for Chuvash polycythemia. Last evaluated: 2022-06-29. Review status: criteria provided, single submitter. Criteria: ACMG Guidelines, 2015. Collection method: clinical testing. Allele origin: unknown.

Institute for Clinical Genetics, University Hospital TU Dresden, University Hospital TU Dresden
Classification: Uncertain significance. Last evaluated: 2021-11-03. Review status: criteria provided, single submitter. Criteria: ACMG Guidelines, 2015. Collection method: clinical testing. Allele origin: germline.

OMIM
Classification: Pathogenic for ERYTHROCYTOSIS, FAMILIAL, 2. Last evaluated: 2020-03-05. Review status: no assertion criteria provided. Collection method: literature only. Allele origin: germline. Not counted in ClinVar's aggregate classification.

Literature cited by the submitters: PubMed 34439168 (cited by Ambry Genetics); PubMed 21454469 (cited by 3 submitters); PubMed 24466223 (cited by Labcorp Genetics (formerly Invitae), Labcorp); PubMed 30338240 (cited by Labcorp Genetics (formerly Invitae), Labcorp).